The following is an entry in ClinVar:

NM_015215.4(CAMTA1):c.986A>G (p.Lys329Arg)

Gene: CAMTA1 (calmodulin binding transcription activator 1; plus strand). Cytogenetic location: 1p36.23.
Variant type: single nucleotide variant.
Coding change: c.986A>G on transcript NM_015215.4 (MANE Select); coding-DNA position 986, A replaced by G.
Protein change: p.Lys329Arg; replaces lysine 329 with arginine.
Molecular consequence: missense variant.
Genome position (GRCh38, 1-based): chr1:7,663,533, A>G. VCF-style: chr1-7663533-A-G. GRCh37 (hg19) VCF-style: chr1-7723593-A-G.
Other names: p.Lys329Arg; c.896A>G, p.Lys299Arg (NM_001349608.2, NM_001349612.2); c.986A>G, p.Lys329Arg (NM_001349609.2, NM_001349610.2); short protein forms K299R, K329R.
Identifiers: ClinVar variation 773626 (VCV000773626.12), dbSNP rs151133441, ClinGen allele CA566345.
Genomic context (GRCh38, chr1:7,663,533, plus strand): 5'-CGGAGGGCAAGCACGAGCACAGCCACAGCAAGGGCTCCAGCCGTGAGAAGAGGAACGGCA[A>G]GGTGGCCAAGCCCGTGCTCCTGCACCAGAGCAGCACCGAGGTCTCCTCCACCAACCAGGT-3'
Protein context (NP_056030.1, residues 319-339): KGSSREKRNG[Lys329Arg]VAKPVLLHQS

ClinVar aggregate classification (germline): Benign/Likely benign. Review status: criteria provided, multiple submitters, no conflicts (2 of 4 stars). 4 submissions from 4 submitters: Benign (3); Likely benign (1). Last evaluated 2025-12-19.

Conditions:
Cerebellar dysfunction with variable cognitive and behavioral abnormalities (CECBA). Also called: Nonprogressive cerebellar atxia with intellectual disability. Identifiers: Orphanet 314647, MedGen C3553661, MONDO:0013886, OMIM 614756.

Allele frequency attached by ClinVar (database versions not stated): ESP Exome Variant Server 0.00038; gnomAD exomes 0.00243 and 0.00731; gnomAD 0.00433 and 0.00445; TOPMed 0.00598; 1000 Genomes Project 0.00619; 1000 Genomes Project 30x 0.00625; ExAC 0.00682.
gnomAD v4.1: 4,245 of 1,604,270 alleles (0.26%); highest among the groups gnomAD compares: East Asian, 3.5%; 85 homozygotes.

Submissions (4):

Labcorp Genetics (formerly Invitae), Labcorp
Classification: Benign. Last evaluated: 2025-12-19. Review status: criteria provided, single submitter. Criteria: Invitae Variant Classification Sherloc (09022015). Collection method: clinical testing. Allele origin: germline.

Mayo Clinic Laboratories, Mayo Clinic
Classification: Benign. Last evaluated: 2025-09-04. Review status: criteria provided, single submitter. Criteria: ACMG Guidelines, 2015. Collection method: clinical testing. Allele origin: germline. Observed: 1 variant allele.
Comment: BS1, BS2, BP4_moderate

Fulgent Genetics
Classification: Likely benign for Cerebellar dysfunction with variable cognitive and behavioral abnormalities. Last evaluated: 2021-09-28. Review status: criteria provided, single submitter. Criteria: ACMG Guidelines, 2015. Collection method: clinical testing. Allele origin: unknown.

Breakthrough Genomics
Classification: Benign. Review status: criteria provided, single submitter. Criteria: ACMG Guidelines, 2015. Collection method: not provided. Allele origin: germline. Inheritance: Autosomal dominant inheritance. Affected: yes.